The following is an entry in ClinVar:

NM_138295.5(PKD1L1):c.6500G>A (p.Trp2167Ter)

Gene: PKD1L1 (polycystin 1 like 1, transient receptor potential channel interacting; minus strand). Cytogenetic location: 7p12.3.
Variant type: single nucleotide variant.
Coding change: c.6500G>A on transcript NM_138295.5 (MANE Select); coding-DNA position 6500, G replaced by A.
Protein change: p.Trp2167Ter; replaces tryptophan 2167 with a stop codon.
Molecular consequence: nonsense.
Genome position (GRCh38, 1-based): chr7:47,830,098, C>T on the plus strand (G>A on the coding strand, the complement: PKD1L1 is on the minus strand). VCF-style: chr7-47830098-C-T. GRCh37 (hg19) VCF-style: chr7-47869696-C-T.
Other names: c.6500G>A (NM_138295.3); short protein forms W2167*.
Identifiers: ClinVar variation 2141863 (VCV002141863.4), dbSNP rs779701706, ClinGen allele CA4252432.
Genomic context (GRCh38, chr7:47,830,098, plus strand): 5'-ACCATAAGTGGCTGGGTGATGAAAATACAGCAGACCACGGAGAGGGACAGCAGGTGCAGC[C>T]ACTGCACACATTGCTCCTGGCCAAACCTGCCCCCAGGGAAAGTGCAGTGGTCAGCCCCCT-3'

ClinVar aggregate classification (germline): Pathogenic/Likely pathogenic. Review status: criteria provided, multiple submitters, no conflicts (2 of 4 stars). 3 submissions from 3 submitters: Pathogenic (1); Likely pathogenic (2). Last evaluated 2026-09-14.

Conditions:
PKD1L1-related disorder. Also called: PKD1L1-related condition.

Allele frequency attached by ClinVar (database versions not stated): gnomAD exomes 0.00001; ExAC 0.00002; gnomAD 0.00003; TOPMed 0.00007.
gnomAD v4.1: 10 of 1,614,024 alleles (0.00062%); highest among the groups gnomAD compares: Admixed American, 0.013%; no homozygotes.

Submissions (3):

PreventionGenetics, part of Exact Sciences
Classification: Likely pathogenic for PKD1L1-related condition. Last evaluated: 2026-09-14. Review status: criteria provided, single submitter. Criteria: ACMG Guidelines, 2015. Collection method: clinical testing. Allele origin: germline.
Comment: The PKD1L1 c.6500G>A variant is predicted to result in premature protein termination (p.Trp2167*). To our knowledge, this variant has not been reported in the literature. This variant is reported in 0.011% of alleles in individuals of Latino descent in gnomAD. Nonsense variants in PKD1L1 are expected to be pathogenic. This variant is interpreted as likely pathogenic.

Dasa
Classification: Likely pathogenic. Last evaluated: 2025-12-15. Review status: criteria provided, single submitter. Criteria: DASA Assertion Criteria. Collection method: clinical testing. Allele origin: germline.
Comment: NM_138295.5(PKD1L1):c.6500G>A (p.Trp2167*) is a nonsense variant in PKD1L1 predicted to introduce a premature termination codon and is predicted to result in an absent or altered protein product. Loss of function is an established disease mechanism for PKD1L1-associated disorders. Also, this variant is rare in population databases. Based on the currently available evidence, this variant is classified as likely pathogenic.

Labcorp Genetics (formerly Invitae), Labcorp
Classification: Pathogenic. Last evaluated: 2022-07-05. Review status: criteria provided, single submitter. Criteria: Invitae Variant Classification Sherloc (09022015). Collection method: clinical testing. Allele origin: germline.
Comment: This sequence change creates a premature translational stop signal (p.Trp2167*) in the PKD1L1 gene. It is expected to result in an absent or disrupted protein product. Loss-of-function variants in PKD1L1 are known to be pathogenic (PMID: 27616478). This variant is present in population databases (rs779701706, gnomAD 0.01%). This variant has not been reported in the literature in individuals affected with PKD1L1-related conditions. For these reasons, this variant has been classified as Pathogenic.

Literature cited by the submitters: PubMed 27616478 (cited by Labcorp Genetics (formerly Invitae), Labcorp).